The following is an entry in ClinVar:

NM_001303052.2(MYT1L):c.181del (p.Arg61fs)

Gene: MYT1L (myelin transcription factor 1 like; minus strand). Cytogenetic location: 2p25.3.
Variant type: Deletion.
Coding change: c.181del on transcript NM_001303052.2 (MANE Select); coding-DNA position 181, one base deleted (A; older notation c.181delA).
Protein change: p.Arg61fs; shifts the reading frame from arginine 61.
Molecular consequence: frameshift variant.
Genome position (GRCh38, 1-based): chr2:1,943,306, T deleted on the plus strand (A on the coding strand, the reverse complement: MYT1L is on the minus strand); the first of 7 consecutive T bases (chr2:1,943,306-1,943,312); deleting any one gives the same sequence. VCF-style (leftmost placement, unchanged base first): chr2-1943305-CT-C. GRCh37 (hg19) VCF-style: chr2-1947077-CT-C.
Other names: c.181del, p.Arg61fs (NM_001329844.2, NM_001329845.1, NM_001329846.3 and 6 more transcripts); short protein forms R61fs.
Identifiers: ClinVar variation 2573975 (VCV002573975.1), dbSNP rs1417217555, ClinGen allele CA530846965.

ClinVar aggregate classification (germline): Pathogenic (1 of 4 stars; one submission).

Submission:

GeneDx
Classification: Pathogenic. Last evaluated: 2023-01-19. Review status: criteria provided, single submitter. Criteria: GeneDx Variant Classification Process June 2021. Collection method: clinical testing. Allele origin: germline. Affected: yes.
Comment: Frameshift variant predicted to result in protein truncation or nonsense mediated decay in a gene for which loss of function is a known mechanism of disease; This variant is associated with the following publications: (PMID: 35014204, 34748075)